The following is an entry in ClinVar:

ClinVar aggregate classification (germline): Pathogenic (1 of 4 stars; one submission).

Conditions:
Hereditary spastic paraplegia 11. Also called: SPASTIC PARAPLEGIA, AUTOSOMAL RECESSIVE, COMPLICATED, WITH THIN CORPUS CALLOSUM; SPASTIC PARAPLEGIA, AUTOSOMAL RECESSIVE, WITH MENTAL IMPAIRMENT AND THIN CORPUS CALLOSUM; Spastic Paraplegia 11; Nakamura Osame syndrome; Autosomal recessive hereditary spastic paraplegia, mental impairment, and thin corpus callosum; Spastic paraplegia, mental retardation and thin corpus callosum. Identifiers: Orphanet 2822, MedGen C1858479, MONDO:0011445, OMIM 604360.

Submission:

Labcorp Genetics (formerly Invitae), Labcorp
Classification: Pathogenic for Hereditary spastic paraplegia 11. Last evaluated: 2023-07-31. Review status: criteria provided, single submitter. Criteria: Invitae Variant Classification Sherloc (09022015). Collection method: clinical testing. Allele origin: germline.
Comment: This variant is not present in population databases (gnomAD no frequency). This sequence change creates a premature translational stop signal (p.Leu193Phefs*10) in the SPG11 gene. It is expected to result in an absent or disrupted protein product. Loss-of-function variants in SPG11 are known to be pathogenic (PMID: 19105190, 20110243, 22154821, 26556829). This premature translational stop signal has been observed in individual(s) with hereditary ataxia (PMID: 33624863). For these reasons, this variant has been classified as Pathogenic.

Literature cited by the submitters: PubMed 19105190; PubMed 20110243; PubMed 22154821; PubMed 26556829; PubMed 33624863.

NM_025137.4(SPG11):c.577del (p.Leu193fs)

Gene: SPG11 (SPG11 vesicle trafficking associated, spatacsin; minus strand). Cytogenetic location: 15q21.1.
Variant type: Deletion.
Coding change: c.577del on transcript NM_025137.4 (MANE Select); coding-DNA position 577, one base deleted (C; older notation c.577delC).
Protein change: p.Leu193fs; shifts the reading frame from leucine 193.
Molecular consequence: frameshift variant.
Genome position (GRCh38, 1-based): chr15:44,659,169, G deleted on the plus strand (C on the coding strand, the reverse complement: SPG11 is on the minus strand). VCF-style (leftmost placement, unchanged base first): chr15-44659168-AG-A. GRCh37 (hg19) VCF-style: chr15-44951366-AG-A.
Other names: c.577del, p.Leu193fs (NM_001160227.2, NM_001411132.1); short protein forms L193fs.
Identifiers: ClinVar variation 2780295 (VCV002780295.3), dbSNP rs2505768771, ClinGen allele CA2695220861.